The following is an entry in ClinVar:

ClinVar aggregate classification (germline): Uncertain significance. Review status: criteria provided, multiple submitters, no conflicts (2 of 4 stars). 2 submissions from 2 submitters: Uncertain significance (2). Last evaluated 2024-10-30.

Conditions:
Primary familial hypertrophic cardiomyopathy (HCM). Identifiers: Orphanet 99739, MedGen C0949658, MeSH D024741, MONDO:0024573. Inheritance: Various modes of inheritance.
Hypertrophic cardiomyopathy 25 (CMH25). Also called: CARDIOMYOPATHY, FAMILIAL HYPERTROPHIC, 25. Identifiers: MedGen C4225408, MONDO:0011843, OMIM 607487.

Allele frequency attached by ClinVar (database versions not stated): TOPMed below 0.00001; ExAC 0.00001; gnomAD exomes 0.00001 and 0.00002.

Submissions (2):

Labcorp Genetics (formerly Invitae), Labcorp
Classification: Uncertain significance for Hypertrophic cardiomyopathy 25; Primary familial hypertrophic cardiomyopathy. Last evaluated: 2024-10-30. Review status: criteria provided, single submitter. Criteria: Invitae Variant Classification Sherloc (09022015). Collection method: clinical testing. Allele origin: germline.
Comment: This sequence change replaces arginine, which is basic and polar, with lysine, which is basic and polar, at codon 166 of the TCAP protein (p.Arg166Lys). This variant is present in population databases (rs779217085, gnomAD 0.01%). This variant has not been reported in the literature in individuals affected with TCAP-related conditions. ClinVar contains an entry for this variant (Variation ID: 942586). An algorithm developed to predict the effect of missense changes on protein structure and function (PolyPhen-2) suggests that this variant is likely to be disruptive. In summary, the available evidence is currently insufficient to determine the role of this variant in disease. Therefore, it has been classified as a Variant of Uncertain Significance.

GeneDx
Classification: Uncertain significance. Last evaluated: 2022-05-25. Review status: criteria provided, single submitter. Criteria: GeneDx Variant Classification Process June 2021. Collection method: clinical testing. Allele origin: germline. Affected: yes.
Comment: Not observed at significant frequency in large population cohorts (gnomAD); Missense variants in this gene are often considered pathogenic (HGMD); In silico analysis supports that this missense variant does not alter protein structure/function; Has not been previously published as pathogenic or benign to our knowledge

NM_003673.4(TCAP):c.497G>A (p.Arg166Lys)

Gene: TCAP (titin-cap; plus strand). Cytogenetic location: 17q12.
Variant type: single nucleotide variant.
Coding change: c.497G>A on transcript NM_003673.4 (MANE Select); coding-DNA position 497, G replaced by A.
Protein change: p.Arg166Lys; replaces arginine 166 with lysine.
Molecular consequence: missense variant.
Genome position (GRCh38, 1-based): chr17:39,666,102, G>A. VCF-style: chr17-39666102-G-A. GRCh37 (hg19) VCF-style: chr17-37822355-G-A.
Other names: short protein forms R166K.
Identifiers: ClinVar variation 942586 (VCV000942586.9), dbSNP rs779217085, ClinGen allele CA8532918.
Genomic context (GRCh38, chr17:39,666,102, plus strand): 5'-TCAGCAAGCCCGGTGCACTTCGTCGCTCCCTGTCCCGCTCCATGTCCCAGGAAGCACAGA[G>A]AGGCTGAGAGGGACTGTGACTTGGGCTCCGCTGTGCCCGCCCTGGGCTGGGCCCTTCCTG-3'
Protein context (NP_003664.1, residues 156-167): LSRSMSQEAQ[Arg166Lys]G